The following is an entry in ClinVar:

NM_000051.4(ATM):c.8526A>C (p.Pro2842=)

Genes: ATM (ATM serine/threonine kinase; plus strand), C11orf65 (chromosome 11 open reading frame 65; minus strand). Cytogenetic location: 11q22.3.
Variant type: single nucleotide variant.
Coding change: c.8526A>C on transcript NM_000051.4 (MANE Select); coding-DNA position 8526, A replaced by C.
Protein change: p.Pro2842=; no amino-acid change (proline 2842 retained).
Molecular consequence: synonymous variant. On other transcripts: intron variant (2).
Genome position (GRCh38, 1-based): chr11:108,345,850, A>C. VCF-style: chr11-108345850-A-C. GRCh37 (hg19) VCF-style: chr11-108216577-A-C.
Other names: c.8526A>C, p.Pro2842= (NM_001351834.2); c.641-36779T>G (NM_001330368.2); c.695-10558T>G (NM_001351110.2).
Identifiers: ClinVar variation 3254254 (VCV003254254.1), dbSNP rs900737596.
Genomic context (GRCh38, chr11:108,345,850, plus strand): 5'-TGTTTGCCAAAATTTTCAACCAGTTTTCCGTTACTTCTGCATGGAAAAATTCTTGGATCC[A>C]GCTATTTGGTTTGAGAAGCGATTGGCTTATACGCGCAGTGTAGCTACTTCTTCTATTGGT-3'
Protein context (NP_000042.3, residues 2832-2852): RYFCMEKFLD[Pro2842=]AIWFEKRLAY

ClinVar aggregate classification (germline): Benign (1 of 4 stars; one submission).

Conditions:
Familial cancer of breast. Also called: hereditary breast carcinoma; BREAST CANCER, FAMILIAL; Hereditary breast cancer. Identifiers: Orphanet 227535, MedGen C0346153, MONDO:0016419, OMIM 114480. Disease mechanism: loss of function.

Submission:

Myriad Genetics, Inc.
Classification: Benign for Familial cancer of breast. Last evaluated: 2024-06-20. Review status: criteria provided, single submitter. Criteria: Myriad Autosomal Dominant, Autosomal Recessive and X-Linked Classification Criteria (2023). Collection method: clinical testing. Allele origin: unknown.
Comment: This variant is considered benign. This variant is a silent/synonymous amino acid change and it is not expected to impact splicing.